The following is an entry in ClinVar:

ClinVar aggregate classification (germline): Uncertain significance (1 of 4 stars; one submission).

Submission:

Ambry Genetics
Classification: Uncertain significance. Last evaluated: 2024-11-25. Review status: criteria provided, single submitter. Criteria: Ambry Variant Classification Scheme 2023. Collection method: clinical testing. Allele origin: germline.
Comment: The p.Q571* variant (also known as c.1711C>T), located in coding exon 17 of the KIF1B gene, results from a C to T substitution at nucleotide position 1711. This changes the amino acid from a glutamine to a stop codon within coding exon 17. This alteration is expected to result in loss of function by premature protein truncation or nonsense-mediated mRNA decay. The evidence for this gene-disease relationship is limited; therefore, the clinical significance of this alteration is unclear.

NM_001365951.3(KIF1B):c.1849C>T (p.Gln617Ter)

Gene: KIF1B (kinesin family member 1B; plus strand). Cytogenetic location: 1p36.22.
Variant type: single nucleotide variant.
Coding change: c.1849C>T on transcript NM_001365951.3 (MANE Select); coding-DNA position 1849, C replaced by T.
Protein change: p.Gln617Ter; replaces glutamine 617 with a stop codon.
Molecular consequence: nonsense.
Genome position (GRCh38, 1-based): chr1:10,296,653, C>T. VCF-style: chr1-10296653-C-T. GRCh37 (hg19) VCF-style: chr1-10356711-C-T.
Other names: c.1849C>T, p.Gln617Ter (NM_001365952.1); c.1711C>T, p.Gln571Ter (NM_001365953.1, NM_015074.3, NM_183416.4); short protein forms Q617*, Q571*.
Identifiers: ClinVar variation 1778569 (VCV001778569.3), dbSNP rs1569748221, ClinGen allele CA338316142.